The following is an entry in ClinVar:

ClinVar aggregate classification (germline): Pathogenic (1 of 4 stars; one submission).

Conditions:
Mitochondrial DNA depletion syndrome 9 (MTDPS9). Also called: SUCLG1-Related Mitochondrial DNA Depletion Syndrome, Encephalomyopathic Form with Methylmalonic Aciduria. Identifiers: Orphanet 17, MedGen C3151476, MONDO:0009504, OMIM 245400.

Submission:

Labcorp Genetics (formerly Invitae), Labcorp
Classification: Pathogenic for Mitochondrial DNA depletion syndrome 9. Last evaluated: 2024-11-06. Review status: criteria provided, single submitter. Criteria: Invitae Variant Classification Sherloc (09022015). Collection method: clinical testing. Allele origin: germline.
Comment: This sequence change creates a premature translational stop signal (p.Gln67*) in the SUCLG1 gene. It is expected to result in an absent or disrupted protein product. Loss-of-function variants in SUCLG1 are known to be pathogenic (PMID: 20693550). This variant is not present in population databases (gnomAD no frequency). This variant has not been reported in the literature in individuals affected with SUCLG1-related conditions. For these reasons, this variant has been classified as Pathogenic.

Literature cited by the submitters: PubMed 20693550.

NM_003849.4(SUCLG1):c.199C>T (p.Gln67Ter)

Gene: SUCLG1 (succinate-CoA ligase GDP/ADP-forming subunit alpha; minus strand). Cytogenetic location: 2p11.2.
Variant type: single nucleotide variant.
Coding change: c.199C>T on transcript NM_003849.4 (MANE Select); coding-DNA position 199, C replaced by T.
Protein change: p.Gln67Ter; replaces glutamine 67 with a stop codon.
Molecular consequence: nonsense.
Genome position (GRCh38, 1-based): chr2:84,449,651, G>A on the plus strand (C>T on the coding strand, the complement: SUCLG1 is on the minus strand). VCF-style: chr2-84449651-G-A. GRCh37 (hg19) VCF-style: chr2-84676775-G-A.
Other names: short protein forms Q67*.
Identifiers: ClinVar variation 3724793 (VCV003724793.2).